The following is an entry in ClinVar:

NM_025099.6(CTC1):c.1151C>T (p.Ala384Val)

Gene: CTC1 (CST telomere replication complex component 1; minus strand). Cytogenetic location: 17p13.1.
Variant type: single nucleotide variant.
Coding change: c.1151C>T on transcript NM_025099.6 (MANE Select); coding-DNA position 1151, C replaced by T.
Protein change: p.Ala384Val; replaces alanine 384 with valine.
Molecular consequence: missense variant. On other transcripts: non-coding transcript variant (1).
Genome position (GRCh38, 1-based): chr17:8,235,886, G>A on the plus strand (C>T on the coding strand, the complement: CTC1 is on the minus strand). VCF-style: chr17-8235886-G-A. GRCh37 (hg19) VCF-style: chr17-8139204-G-A.
Other names: c.1151C>T, p.Ala384Val (NM_001411067.1); short protein forms A384V.
Identifiers: ClinVar variation 2795437 (VCV002795437.3), dbSNP rs748695989, ClinGen allele CA8372447.

ClinVar aggregate classification (germline): Uncertain significance (1 of 4 stars; one submission).

Conditions:
Dyskeratosis congenita. Identifiers: Orphanet 1775, MedGen C0265965, MONDO:0015780.

Allele frequency attached by ClinVar (database versions not stated): TOPMed below 0.00001; gnomAD 0.00001; gnomAD exomes 0.00001; ExAC 0.00002.
gnomAD v4.1: 4 of 1,613,792 alleles (0.00025%); highest among the groups gnomAD compares: South Asian, 0.0033%; no homozygotes.

Submission:

Labcorp Genetics (formerly Invitae), Labcorp
Classification: Uncertain significance for Dyskeratosis congenita. Last evaluated: 2023-02-16. Review status: criteria provided, single submitter. Criteria: Invitae Variant Classification Sherloc (09022015). Collection method: clinical testing. Allele origin: germline.
Comment: In summary, the available evidence is currently insufficient to determine the role of this variant in disease. Therefore, it has been classified as a Variant of Uncertain Significance. Advanced modeling of protein sequence and biophysical properties (such as structural, functional, and spatial information, amino acid conservation, physicochemical variation, residue mobility, and thermodynamic stability) performed at Invitae indicates that this missense variant is expected to disrupt CTC1 protein function. This variant has not been reported in the literature in individuals affected with CTC1-related conditions. This variant is present in population databases (rs748695989, gnomAD 0.01%). This sequence change replaces alanine, which is neutral and non-polar, with valine, which is neutral and non-polar, at codon 384 of the CTC1 protein (p.Ala384Val).